The following is an entry in ClinVar:

NM_002711.4(PPP1R3A):c.1714A>G (p.Ile572Val)

Gene: PPP1R3A (protein phosphatase 1 regulatory subunit 3A; minus strand). Cytogenetic location: 7q31.1.
Variant type: single nucleotide variant.
Coding change: c.1714A>G on transcript NM_002711.4 (MANE Select); coding-DNA position 1714, A replaced by G.
Protein change: p.Ile572Val; replaces isoleucine 572 with valine.
Molecular consequence: missense variant.
Genome position (GRCh38, 1-based): chr7:113,879,378, T>C on the plus strand (A>G on the coding strand, the complement: PPP1R3A is on the minus strand). VCF-style: chr7-113879378-T-C. GRCh37 (hg19) VCF-style: chr7-113519433-T-C.
Other names: short protein forms I572V.
Identifiers: ClinVar variation 393405 (VCV000393405.4), dbSNP rs35398707, ClinGen allele CA4445211.

ClinVar aggregate classification (germline): Benign. Review status: criteria provided, multiple submitters, no conflicts (2 of 4 stars). 2 submissions from 2 submitters: Benign (2). Last evaluated 2018-12-21.

Conditions:
Monogenic diabetes. Identifiers: Orphanet 183625, MedGen C3888631, MONDO:0015967.

Allele frequency attached by ClinVar (database versions not stated): gnomAD exomes 0.00069 and 0.00194; ExAC 0.00243; gnomAD 0.00746 and 0.00796; ESP Exome Variant Server 0.00777; TOPMed 0.00802; 1000 Genomes Project 30x 0.00843; 1000 Genomes Project 0.00879.
gnomAD v4.1: 2,186 of 1,613,578 alleles (0.14%); highest among the groups gnomAD compares: African/African-American, 2.5%; 28 homozygotes.

Submissions (2):

Personalized Diabetes Medicine Program, University of Maryland School of Medicine
Classification: Benign for Monogenic diabetes. Last evaluated: 2018-12-21. Review status: criteria provided, single submitter. Criteria: ACMG Guidelines, 2015. Collection method: research. Allele origin: unknown. Observed: 3 variant alleles, 3 heterozygotes.
Comment: ACMG criteria: BP4 (REVEL 0.011 + 9 predictors), BS2 (75 cases and 66 controls in T2DM), BA1 (2.6% MAF in gnomAD African)= benign

Breakthrough Genomics
Classification: Benign. Review status: criteria provided, single submitter. Criteria: ACMG Guidelines, 2015. Collection method: not provided. Allele origin: germline. Inheritance: Autosomal dominant inheritance. Affected: yes.